The following is an entry in ClinVar:

NM_015335.5(MED13L):c.6380T>A (p.Phe2127Tyr)

Gene: MED13L (mediator complex subunit 13L; minus strand). Cytogenetic location: 12q24.21.
Variant type: single nucleotide variant.
Coding change: c.6380T>A on transcript NM_015335.5 (MANE Select); coding-DNA position 6380, T replaced by A.
Protein change: p.Phe2127Tyr; replaces phenylalanine 2127 with tyrosine.
Molecular consequence: missense variant.
Genome position (GRCh38, 1-based): chr12:115,966,089, A>T on the plus strand (T>A on the coding strand, the complement: MED13L is on the minus strand). VCF-style: chr12-115966089-A-T. GRCh37 (hg19) VCF-style: chr12-116403894-A-T.
Other names: short protein forms F2127Y.
Identifiers: ClinVar variation 3381251 (VCV003381251.2).

ClinVar aggregate classification (germline): Uncertain significance (1 of 4 stars; one submission).

Conditions:
Cardiac anomalies - developmental delay - facial dysmorphism syndrome (MRFACD). Also called: Impaired intellectual development and distinctive facial features with or without cardiac defects; MED13L Syndrome. Identifiers: Orphanet 369891, MedGen C5192431, MONDO:0014773, OMIM 616789.

Submission:

Servicio de Genética Del Instituto Nacional de Salud Del Niño, Ministerio de Salud
Classification: Uncertain significance for Cardiac anomalies - developmental delay - facial dysmorphism syndrome. Last evaluated: 2024-11-18. Review status: criteria provided, single submitter. Criteria: ACMG Guidelines, 2015. Collection method: clinical testing. Allele origin: germline. Inheritance: Autosomal dominant inheritance.
Comment: The variant NM_015335.5:c.6380T>A leads to the substitution of phenylalanine with tyrosine at position 2127 (p.Phe2127Tyr). Both phenylalanine and tyrosine are aromatic amino acids, but tyrosine has a hydroxyl group in its side chain, which may influence the protein's stability or function differently. Based on the PM2 (absence in population databases), PP3 (predictive computational tools suggest a damaging effect), and PP2 (supporting evidence from evolutionary conservation), this variant is classified as uncertain significance